The following is an entry in ClinVar:

NM_017433.5(MYO3A):c.1A>G (p.Met1Val)

Gene: MYO3A (myosin IIIA; plus strand). Cytogenetic location: 10p12.1.
Variant type: single nucleotide variant.
Coding change: c.1A>G on transcript NM_017433.5 (MANE Select); coding-DNA position 1, A replaced by G.
Protein change: p.Met1Val; changes the start codon (methionine 1).
Molecular consequence: missense variant, initiator codon variant.
Genome position (GRCh38, 1-based): chr10:25,952,111, A>G. VCF-style: chr10-25952111-A-G. GRCh37 (hg19) VCF-style: chr10-26241040-A-G.
Other names: c.1A>G, p.Met1Val (NM_001368265.1); short protein forms M1V.
Identifiers: ClinVar variation 178989 (VCV000178989.5), dbSNP rs727504593, ClinGen allele CA183444.

ClinVar aggregate classification (germline): Uncertain significance (1 of 4 stars; one submission).

Allele frequency attached by ClinVar (database versions not stated): gnomAD 0.00001 and 0.00002; TOPMed 0.00001; gnomAD exomes 0.00002 and 0.00006; ExAC 0.00007.

Submission:

Laboratory for Molecular Medicine, Mass General Brigham Personalized Medicine
Classification: Uncertain significance. Last evaluated: 2013-06-18. Review status: criteria provided, single submitter. Criteria: LMM Criteria. Collection method: clinical testing. Allele origin: germline. Observed: 1 variant allele.
Comment: Variant classified as Uncertain Significance - Favor Pathogenic. The Met1? varia nt in MYO3A has not been reported in individuals with hearing loss or in large p opulation studies. This variant is located in the initiation start codon (ATG) a nd is likely to impact the synthesis of this protein. However, the precise effec t of this variant cannot be predicted. In summary, additional data is needed to determine the clinical significance of this variant, although we would lean towa rds a more likely pathogenic role.